The following is an entry in ClinVar:

ClinVar aggregate classification (germline): Uncertain significance. Review status: criteria provided, multiple submitters, no conflicts (2 of 4 stars). 2 submissions from 2 submitters: Uncertain significance (2). Last evaluated 2025-05-19.

Conditions:
Inborn genetic diseases. Identifiers: MedGen C0950123, MeSH D030342.
Baller-Gerold syndrome (BGS). Also called: CRANIOSYNOSTOSIS WITH RADIAL DEFECTS. Identifiers: Orphanet 1225, MedGen C0265308, MONDO:0009039, OMIM 218600.

Allele frequency attached by ClinVar (database versions not stated): gnomAD exomes below 0.00001; ExAC 0.00001; gnomAD 0.00001.
gnomAD v4.1: 10 of 1,613,076 alleles (0.00062%); highest among the groups gnomAD compares: Middle Eastern, 0.05%; no homozygotes.

Submissions (2):

Ambry Genetics
Classification: Uncertain significance for Inborn genetic diseases. Last evaluated: 2025-05-19. Review status: criteria provided, single submitter. Criteria: Ambry Variant Classification Scheme 2023. Collection method: clinical testing. Allele origin: germline.
Comment: The p.G300W variant (also known as c.898G>T), located in coding exon 5 of the RECQL4 gene, results from a G to T substitution at nucleotide position 898. The glycine at codon 300 is replaced by tryptophan, an amino acid with highly dissimilar properties. This amino acid position is conserved. In addition, this alteration is predicted to be tolerated by in silico analysis. Based on the available evidence, the clinical significance of this variant remains unclear.

Labcorp Genetics (formerly Invitae), Labcorp
Classification: Uncertain significance for Baller-Gerold syndrome. Last evaluated: 2023-12-04. Review status: criteria provided, single submitter. Criteria: Invitae Variant Classification Sherloc (09022015). Collection method: clinical testing. Allele origin: germline.
Comment: This sequence change replaces glycine, which is neutral and non-polar, with tryptophan, which is neutral and slightly polar, at codon 300 of the RECQL4 protein (p.Gly300Trp). This variant is present in population databases (rs764510816, gnomAD 0.0009%). This variant has not been reported in the literature in individuals affected with RECQL4-related conditions. ClinVar contains an entry for this variant (Variation ID: 861465). Advanced modeling of protein sequence and biophysical properties (such as structural, functional, and spatial information, amino acid conservation, physicochemical variation, residue mobility, and thermodynamic stability) has been performed at Invitae for this missense variant, however the output from this modeling did not meet the statistical confidence thresholds required to predict the impact of this variant on RECQL4 protein function. In summary, the available evidence is currently insufficient to determine the role of this variant in disease. Therefore, it has been classified as a Variant of Uncertain Significance.

NM_004260.4(RECQL4):c.898G>T (p.Gly300Trp)

Gene: RECQL4 (RecQ like helicase 4; minus strand). Cytogenetic location: 8q24.3.
Variant type: single nucleotide variant.
Coding change: c.898G>T on transcript NM_004260.4 (MANE Select); coding-DNA position 898, G replaced by T.
Protein change: p.Gly300Trp; replaces glycine 300 with tryptophan.
Molecular consequence: missense variant.
Genome position (GRCh38, 1-based): chr8:144,516,221, C>A on the plus strand (G>T on the coding strand, the complement: RECQL4 is on the minus strand). VCF-style: chr8-144516221-C-A. GRCh37 (hg19) VCF-style: chr8-145741605-C-A.
Other names: short protein forms G300W.
Identifiers: ClinVar variation 861465 (VCV000861465.6), dbSNP rs764510816, ClinGen allele CA4949152.